The following is an entry in ClinVar:

NM_001376.5(DYNC1H1):c.11055+6G>A

Gene: DYNC1H1 (dynein cytoplasmic 1 heavy chain 1; plus strand). Cytogenetic location: 14q32.31.
Variant type: single nucleotide variant.
Coding change: c.11055+6G>A on transcript NM_001376.5 (MANE Select); 6 bases into the intron after coding-DNA position 11055, G replaced by A.
Molecular consequence: intron variant.
Genome position (GRCh38, 1-based): chr14:102,038,612, G>A. VCF-style: chr14-102038612-G-A. GRCh37 (hg19) VCF-style: chr14-102504949-G-A.
Identifiers: ClinVar variation 652889 (VCV000652889.8), dbSNP rs1595629239, ClinGen allele CA915946453.

ClinVar aggregate classification (germline): Uncertain significance (1 of 4 stars; one submission).

Conditions:
Charcot-Marie-Tooth disease axonal type 2O. Also called: CHARCOT-MARIE-TOOTH DISEASE, AXONAL, AUTOSOMAL DOMINANT, TYPE 2O; CHARCOT-MARIE-TOOTH NEUROPATHY, AXONAL, TYPE 2O; Charcot-Marie-Tooth disease, axonal, type 20; Charcot-Marie-Tooth Neuropathy Type 2O. Identifiers: Orphanet 284232, MedGen C3280220, MONDO:0013644, OMIM 614228.

Submission:

Labcorp Genetics (formerly Invitae), Labcorp
Classification: Uncertain significance for Charcot-Marie-Tooth disease axonal type 2O. Last evaluated: 2022-10-17. Review status: criteria provided, single submitter. Criteria: Invitae Variant Classification Sherloc (09022015). Collection method: clinical testing. Allele origin: germline.
Comment: This sequence change falls in intron 58 of the DYNC1H1 gene. It does not directly change the encoded amino acid sequence of the DYNC1H1 protein. It affects a nucleotide within the consensus splice site. This variant is not present in population databases (gnomAD no frequency). This variant has not been reported in the literature in individuals affected with DYNC1H1-related conditions. ClinVar contains an entry for this variant (Variation ID: 652889). Variants that disrupt the consensus splice site are a relatively common cause of aberrant splicing (PMID: 17576681, 9536098). Algorithms developed to predict the effect of sequence changes on RNA splicing suggest that this variant is not likely to affect RNA splicing. In summary, the available evidence is currently insufficient to determine the role of this variant in disease. Therefore, it has been classified as a Variant of Uncertain Significance.

Literature cited by the submitters: PubMed 17576681; PubMed 9536098.